The following is an entry in ClinVar:

ClinVar aggregate classification (germline): Benign. Review status: criteria provided, multiple submitters, no conflicts (2 of 4 stars). 3 submissions from 3 submitters: Benign (3). Last evaluated 2018-07-17.

Conditions:
Hereditary spastic paraplegia 35. Also called: Spastic paraplegia 35; SPASTIC PARAPLEGIA 35, AUTOSOMAL RECESSIVE, WITH OR WITHOUT NEURODEGENERATION; LEUKODYSTROPHY, DYSMYELINATING, AND SPASTIC PARAPARESIS WITH OR WITHOUT DYSTONIA; Spastic paraplegia 35, autosomal recessive. Identifiers: Orphanet 171629, MedGen C3496228, MONDO:0012866, OMIM 612319.

Allele frequency attached by ClinVar (database versions not stated): gnomAD exomes 0.01336; 1000 Genomes Project 0.06290; gnomAD 0.06326 and 0.06734; 1000 Genomes Project 30x 0.06964; TOPMed 0.07009.
gnomAD v4.1: 13,789 of 462,592 alleles (3%); highest among the groups gnomAD compares: African/African-American, 20%; 1,081 homozygotes.

Submissions (3):

GeneDx
Classification: Benign. Last evaluated: 2018-07-17. Review status: criteria provided, single submitter. Criteria: GeneDx Variant Classification Process June 2021. Collection method: clinical testing. Allele origin: germline. Affected: yes.

Illumina Laboratory Services, Illumina
Classification: Benign for Hereditary spastic paraplegia 35. Last evaluated: 2018-01-12. Review status: criteria provided, single submitter. Criteria: ICSL Variant Classification Criteria 13 December 2019. Collection method: clinical testing. Allele origin: germline.
Comment: This variant was observed in the ICSL laboratory as part of a predisposition screen in an ostensibly healthy population. It had not been previously curated by ICSL or reported in the Human Gene Mutation Database (HGMD: prior to June 1st, 2018), and was therefore a candidate for classification through an automated scoring system. Utilizing variant allele frequency, disease prevalence and penetrance estimates, and inheritance mode, an automated score was calculated to assess if this variant is too frequent to cause the disease. Based on the score and internal cut-off values, a variant classified as benign is not then subjected to further curation. The score for this variant resulted in a classification of benign for this disease.

Breakthrough Genomics
Classification: Benign. Review status: criteria provided, single submitter. Criteria: ACMG Guidelines, 2015. Collection method: not provided. Allele origin: germline. Inheritance: Autosomal recessive inheritance. Affected: yes.

NM_024306.5(FA2H):c.*281C>A

Gene: FA2H (fatty acid 2-hydroxylase; minus strand). Cytogenetic location: 16q23.1.
Variant type: single nucleotide variant.
Coding change: c.*281C>A on transcript NM_024306.5 (MANE Select); 281 bases downstream of the stop codon, C replaced by A.
Molecular consequence: 3 prime UTR variant.
Genome position (GRCh38, 1-based): chr16:74,713,909, G>T on the plus strand (C>A on the coding strand, the complement: FA2H is on the minus strand). VCF-style: chr16-74713909-G-T. GRCh37 (hg19) VCF-style: chr16-74747807-G-T.
Identifiers: ClinVar variation 320485 (VCV000320485.8), dbSNP rs189104271, ClinGen allele CA10638351.